The following is an entry in ClinVar:

NM_177438.3(DICER1):c.2041-2A>G

Gene: DICER1 (dicer 1, ribonuclease III; minus strand). Cytogenetic location: 14q32.13.
Variant type: single nucleotide variant.
Coding change: c.2041-2A>G on transcript NM_177438.3 (MANE Select); the canonical splice acceptor site of the intron before coding-DNA position 2041, A replaced by G.
Molecular consequence: splice acceptor variant.
Genome position (GRCh38, 1-based): chr14:95,112,249, T>C on the plus strand (A>G on the coding strand, the complement: DICER1 is on the minus strand). VCF-style: chr14-95112249-T-C. GRCh37 (hg19) VCF-style: chr14-95578586-T-C.
Other names: c.2041-2A>G (NM_001291628.2, NM_030621.4, NM_001395677.1 and 12 more transcripts); c.1636-2A>G (NM_001395690.1, NM_001395687.1, NM_001395689.1 and 3 more transcripts); c.1759-2A>G (NM_001395686.1); c.1474-2A>G (NM_001395691.1); c.358-2A>G (NM_001395697.1).
Identifiers: ClinVar variation 429132 (VCV000429132.5), dbSNP rs1131691204, ClinGen allele CA390883150.

ClinVar aggregate classification (germline): Likely pathogenic (1 of 4 stars; one submission).

Conditions:
Hereditary cancer-predisposing syndrome. Also called: Hereditary Cancer Syndrome; Neoplastic Syndromes, Hereditary; Hereditary neoplastic syndrome; Tumor predisposition. Identifiers: Orphanet 140162, MedGen C0027672, MeSH D009386, MONDO:0015356.

Submission:

Ambry Genetics
Classification: Likely pathogenic for Hereditary cancer-predisposing syndrome. Last evaluated: 2016-03-25. Review status: criteria provided, single submitter. Criteria: Ambry Variant Classification Scheme 2023. Collection method: clinical testing. Allele origin: germline.
Comment: The c.2041-2A>G intronic variant results from an A to G substitution two nucleotides before coding exon 12 in the DICER1 gene. This variant was not reported in population based cohorts in the following databases: Database of Single Nucleotide Polymorphisms (dbSNP), NHLBI Exome Sequencing Project (ESP), and 1000 Genomes Project. In the ESP, this variant was not observed in 6,503 samples (13,006 alleles) with coverage at this position. To date, this alteration has been detected with an allele frequency of approximately 0.2% (greater than 400 alleles tested) in our clinical cohort. This nucleotide position is highly conserved in available vertebrate species. Using the BDGP and ESEfinder splice site prediction tools, this alteration is predicted to abolish the native splice acceptor site; however, direct evidence is unavailable. Alterations that disrupt the canonical splice acceptor site are typically deleterious in nature (ACMG Recommendations for Standards for Interpretation and Reporting of Sequence Variations. Revision 2007. Genet Med. 2008;10:294). As such, this variant is classified as likely pathogenic.